The following is an entry in ClinVar:

ClinVar aggregate classification (germline): Pathogenic (1 of 4 stars; one submission).

Conditions:
Duchenne muscular dystrophy (DMD). Also called: MUSCULAR DYSTROPHY, PSEUDOHYPERTROPHIC PROGRESSIVE, DUCHENNE TYPE; Duchenne Muscular Dystrophy (DMD). Identifiers: Orphanet 98896, MedGen C0013264, MONDO:0010679, OMIM 310200.

Submission:

Labcorp Genetics (formerly Invitae), Labcorp
Classification: Pathogenic for Duchenne muscular dystrophy. Last evaluated: 2021-01-20. Review status: criteria provided, single submitter. Criteria: Invitae Variant Classification Sherloc (09022015). Collection method: clinical testing. Allele origin: germline.
Comment: For these reasons, this variant has been classified as Pathogenic. This variant has been observed in individual(s) with Duchenne muscular dystrophy (PMID: 18583217). This variant is not present in population databases (ExAC no frequency). This sequence change creates a premature translational stop signal (p.Glu991*) in the DMD gene. It is expected to result in an absent or disrupted protein product. Loss-of-function variants in DMD are known to be pathogenic (PMID: 16770791, 25007885).

Literature cited by the submitters: PubMed 18583217; PubMed 16770791; PubMed 25007885.

NM_004006.3(DMD):c.2971G>T (p.Glu991Ter)

Gene: DMD (dystrophin; minus strand). Cytogenetic location: Xp21.1.
Variant type: single nucleotide variant.
Coding change: c.2971G>T on transcript NM_004006.3 (MANE Select); coding-DNA position 2971, G replaced by T.
Protein change: p.Glu991Ter; replaces glutamic acid 991 with a stop codon.
Molecular consequence: nonsense.
Genome position (GRCh38, 1-based): chrX:32,468,689, C>A on the plus strand (G>T on the coding strand, the complement: DMD is on the minus strand). VCF-style: chrX-32468689-C-A. GRCh37 (hg19) VCF-style: chrX-32486806-C-A.
Other names: c.2947G>T, p.Glu983Ter (NM_000109.4); c.2959G>T, p.Glu987Ter (NM_004009.3); c.2602G>T, p.Glu868Ter (NM_004010.3); short protein forms E868*, E983*, E987*, E991*.
Identifiers: ClinVar variation 1322686 (VCV001322686.9), dbSNP rs72468667, ClinGen allele CA412667152.
Genomic context (GRCh38, chrX:32,468,689, plus strand): 5'-GCGCTTTCTTCGACATCTCTTTCACAGTGGTGCTGAGATAGTATAGGCCACTTTGTTGCT[C>A]TTGCAGAGAACTTTGTAAAGCCTAAAAAACAATTTTTTAAATACATTTACCCTAATTGAT-3'